The following is an entry in ClinVar:

ClinVar aggregate classification (germline): Conflicting classifications of pathogenicity. Review status: criteria provided, conflicting classifications (1 of 4 stars). 6 submissions from 6 submitters: Pathogenic (3); Likely pathogenic (2); Uncertain significance (1). Last evaluated 2026-06-30.

Conditions:
CSNK2A1-related disorder. Also called: CSNK2A1-related condition; CSNK2A1- Related Disorders.
Okur-Chung neurodevelopmental syndrome (OCNDS). Identifiers: Orphanet 689422, MedGen C4310739, MONDO:0014893, OMIM 617062.

Submissions (6):

PreventionGenetics, part of Exact Sciences
Classification: Pathogenic for CSNK2A1-related condition. Last evaluated: 2026-06-30. Review status: criteria provided, single submitter. Criteria: ACMG Guidelines, 2015. Collection method: clinical testing. Allele origin: germline.
Comment: The CSNK2A1 c.239G>A variant is predicted to result in the amino acid substitution p.Arg80His. This variant has been reported de novo in individuals with CSNK2A1-related disorders (Supplementary Table 1, McRae. 2017. PubMed ID: 28135719; Owen et al. 2018. PubMed ID: 29383814; Supplementary Table 1, Kaplanis et al. 2020. PubMed ID: 33057194). In vitro experimental studies indicate this variant impacts protein function (Dominguez et al. 2021. PubMed ID: 33944995; Loukil et al. 2021. PubMed ID: 33846249). This variant has not been reported in a large population database (gnomAD), indicating it is rare. An alternate missense variant affecting the same amino acid (p.Arg80Cys) has also been reported de novo in an individual with Okur-Chung neurodevelopmental syndrome (Wu et al. 2021. PubMed ID: 34038195). This variant is interpreted as pathogenic.

Dubai Health Genomic Medicine Center, Dubai Health
Classification: Pathogenic for Okur-Chung neurodevelopmental syndrome. Last evaluated: 2024-10-04. Review status: criteria provided, single submitter. Criteria: ACMG Guidelines, 2015. Collection method: research. Allele origin: germline. Affected: yes.
Comment: PS2,PS3,PM2

Mendelics
Classification: Likely pathogenic for Okur-Chung neurodevelopmental syndrome. Last evaluated: 2019-05-28. Review status: criteria provided, single submitter. Criteria: Mendelics Assertion Criteria 2017. Collection method: clinical testing. Allele origin: unknown.

CeGaT Center for Human Genetics Tuebingen
Classification: Uncertain significance. Last evaluated: 2018-03-01. Review status: criteria provided, single submitter. Criteria: CeGaT Center For Human Genetics Tuebingen Variant Classification Criteria Version 2. Collection method: clinical testing. Allele origin: germline. Affected: yes. Observed: 1 variant allele.

GeneDx
Classification: Likely pathogenic. Last evaluated: 2016-06-09. Review status: criteria provided, single submitter. Criteria: GeneDx Variant Classification (06012015). Collection method: clinical testing. Allele origin: germline. Affected: yes.
Comment: The R80H variant in the CSNK2A1 gene has not been reported previously as a pathogenic variant, nor as a benign variant, to our knowledge. The R80H variant was not observed in approximately 6500 individuals of European and African American ancestry in the NHLBI Exome Sequencing Project, indicating it is not a common benign variant in these populations. The R80H variant is a conservative amino acid substitution, which occurs at a position that is conserved across species. In silico analysis is inconsistent in its predictions as to whether or not the variant is damaging to the protein structure/function. The R80H variant is a strong candidate for a pathogenic variant, however the possibility it may be a rare benign variant cannot be excluded.

Institute for Medical Genetics and Human Genetics, Charité - Universitätsmedizin Berlin
Classification: Pathogenic for Okur-Chung neurodevelopmental syndrome. Review status: criteria provided, single submitter. Criteria: ACMG Guidelines, 2015. Collection method: not provided. Allele origin: germline. Inheritance: Autosomal dominant inheritance. Affected: yes.

NM_177559.3(CSNK2A1):c.239G>A (p.Arg80His)

Gene: CSNK2A1 (casein kinase 2 alpha 1; minus strand). Cytogenetic location: 20p13.
Variant type: single nucleotide variant.
Coding change: c.239G>A on transcript NM_177559.3 (MANE Select); coding-DNA position 239, G replaced by A.
Protein change: p.Arg80His; replaces arginine 80 with histidine.
Molecular consequence: missense variant. On other transcripts: 5 prime UTR variant (1).
Genome position (GRCh38, 1-based): chr20:499,909, C>T on the plus strand (G>A on the coding strand, the complement: CSNK2A1 is on the minus strand). VCF-style: chr20-499909-C-T. GRCh37 (hg19) VCF-style: chr20-480553-C-T.
Other names: c.239G>A (NM_001895.3); c.239G>A, p.Arg80His (NM_001362770.2, NM_001362771.2, NM_001895.4); c.-170G>A (NM_177560.3); short protein forms R80H.
Identifiers: ClinVar variation 372946 (VCV000372946.51), dbSNP rs1057518092, ClinGen allele CA16043218.
Genomic context (GRCh38, chr20:499,909, plus strand): 5'-ATGTCTGCCAGTGTGATGATGTTGGGACCTCCTCTCAAATTCTCCAAAATCTTTATTTCA[C>T]GCTTAATTTTCTTCTTTTTTACTGGCTGAAAGGGGAAAAGTACATCAGCAAAAAAAAAAA-3'
Protein context (NP_808227.1, residues 70-90): LKPVKKKKIK[Arg80His]EIKILENLRG